The following is an entry in ClinVar:

NM_177438.3(DICER1):c.1768T>C (p.Cys590Arg)

Gene: DICER1 (dicer 1, ribonuclease III; minus strand). Cytogenetic location: 14q32.13.
Variant type: single nucleotide variant.
Coding change: c.1768T>C on transcript NM_177438.3 (MANE Select); coding-DNA position 1768, T replaced by C.
Protein change: p.Cys590Arg; replaces cysteine 590 with arginine.
Molecular consequence: missense variant. On other transcripts: non-coding transcript variant (6).
Genome position (GRCh38, 1-based): chr14:95,115,806, A>G on the plus strand (T>C on the coding strand, the complement: DICER1 is on the minus strand). VCF-style: chr14-95115806-A-G. GRCh37 (hg19) VCF-style: chr14-95582143-A-G.
Other names: c.85T>C, p.Cys29Arg (NM_001395697.1); c.1363T>C, p.Cys455Arg (NM_001395698.1, NM_001395687.1, NM_001395688.1 and 3 more transcripts); c.1768T>C, p.Cys590Arg (NM_030621.4, NM_001195573.1, NM_001271282.3 and 12 more transcripts); c.1486T>C, p.Cys496Arg (NM_001395686.1); c.1201T>C, p.Cys401Arg (NM_001395691.1); short protein forms C29R, C401R, C496R, C455R, C590R.
Identifiers: ClinVar variation 4011605 (VCV004011605.1).
Genomic context (GRCh38, chr14:95,115,806, plus strand): 5'-CGTCATCATCATCCATGACAGGATCAATGTCAGTCTCACCAGTATCAACCGACTTGGAAC[A>G]CTTGTTTCTCAAGATCTGAACATTTAAAAAACAGAACTTATGATGAAAACACATCCTCTC-3'
Protein context (NP_803187.1, residues 580-600): KAIEKILRNK[Cys590Arg]SKSVDTGETD

ClinVar aggregate classification (germline): Uncertain significance (1 of 4 stars; one submission).

Conditions:
Hereditary cancer-predisposing syndrome. Also called: Tumor predisposition; Hereditary neoplastic syndrome; Neoplastic Syndromes, Hereditary; Hereditary Cancer Syndrome. Identifiers: Orphanet 140162, MedGen C0027672, MeSH D009386, MONDO:0015356.

gnomAD v4.1: 1 of 1,614,178 alleles (0.000062%); highest among the groups gnomAD compares: Non-Finnish European, 0.000085%; no homozygotes.

Submission:

Ambry Genetics
Classification: Uncertain significance for Hereditary cancer-predisposing syndrome. Last evaluated: 2025-03-30. Review status: criteria provided, single submitter. Criteria: Ambry Variant Classification Scheme 2023. Collection method: clinical testing. Allele origin: germline.
Comment: The p.C590R variant (also known as c.1768T>C), located in coding exon 10 of the DICER1 gene, results from a T to C substitution at nucleotide position 1768. The cysteine at codon 590 is replaced by arginine, an amino acid with highly dissimilar properties. This amino acid position is conserved. In addition, this alteration is predicted to be deleterious by in silico analysis. Based on the available evidence, the clinical significance of this variant remains unclear.